The following is an entry in ClinVar:

NM_021728.4(OTX2):c.602C>T (p.Thr201Ile)

Gene: OTX2 (orthodenticle homeobox 2; minus strand). Cytogenetic location: 14q22.3.
Variant type: single nucleotide variant.
Coding change: c.602C>T on transcript NM_021728.4 (MANE Select); coding-DNA position 602, C replaced by T.
Protein change: p.Thr201Ile; replaces threonine 201 with isoleucine.
Molecular consequence: missense variant. On other transcripts: non-coding transcript variant (2).
Genome position (GRCh38, 1-based): chr14:56,802,027, G>A on the plus strand (C>T on the coding strand, the complement: OTX2 is on the minus strand). VCF-style: chr14-56802027-G-A. GRCh37 (hg19) VCF-style: chr14-57268745-G-A.
Other names: c.578C>T, p.Thr193Ile (NM_001270523.2, NM_001270524.2, NM_172337.3); c.602C>T, p.Thr201Ile (NM_001270525.2); short protein forms T193I, T201I.
Identifiers: ClinVar variation 2116434 (VCV002116434.4), dbSNP rs755578825, ClinGen allele CA7200448.
Genomic context (GRCh38, chr14:56,802,027, plus strand): 5'-GGAAGCTGGTGATGCATAGGGGTCAAATATGATCCACAGTCCATGCCCCCAAAGTAGGAA[G>A]TTGAGCCAGCATATCCTTGACTATAACCTGAAGCCTGAGTATAGGTCATGGGATAGGACC-3'
Protein context (NP_068374.1, residues 191-211): SGYSQGYAGS[Thr201Ile]SYFGGMDCGS

ClinVar aggregate classification (germline): Uncertain significance (1 of 4 stars; one submission).

Conditions:
Anophthalmia-microphthalmia syndrome. Also called: Anophthalmia/Microphthalmia; Anophthalmia - microphthalmia. Identifiers: Orphanet 98555, MedGen C5680330, MONDO:0020147.

Submission:

Labcorp Genetics (formerly Invitae), Labcorp
Classification: Uncertain significance for Anophthalmia-microphthalmia syndrome. Last evaluated: 2022-03-30. Review status: criteria provided, single submitter. Criteria: Invitae Variant Classification Sherloc (09022015). Collection method: clinical testing. Allele origin: germline.
Comment: In summary, the available evidence is currently insufficient to determine the role of this variant in disease. Therefore, it has been classified as a Variant of Uncertain Significance. Algorithms developed to predict the effect of missense changes on protein structure and function (SIFT, PolyPhen-2, Align-GVGD) all suggest that this variant is likely to be disruptive. This missense change has been observed in individual(s) with OTX2-related conditions (Invitae). This variant is present in population databases (rs755578825, gnomAD 0.003%). This sequence change replaces threonine, which is neutral and polar, with isoleucine, which is neutral and non-polar, at codon 193 of the OTX2 protein (p.Thr193Ile).